The following is an entry in ClinVar:

ClinVar aggregate classification (germline): Likely benign. Review status: criteria provided, multiple submitters, no conflicts (2 of 4 stars). 2 submissions from 2 submitters: Likely benign (2). Last evaluated 2024-07-14.

Conditions:
Malignant hyperthermia, susceptibility to, 5 (MHS5). Also called: CACNA1S-Related Malignant Hyperthermia Susceptibility. Identifiers: Orphanet 423, MedGen C1866077, MONDO:0011163, OMIM 601887.
Hypokalemic periodic paralysis, type 1. Also called: HypoPP; Hypokalemic Periodic Paralysis Type 1 (AD). Identifiers: Orphanet 681, MedGen C3714580, MONDO:0042979, OMIM 170400.

Allele frequency attached by ClinVar (database versions not stated): gnomAD exomes 0.00002.
gnomAD v4.1: 16 of 1,614,220 alleles (0.00099%); highest among the groups gnomAD compares: Non-Finnish European, 0.0014%; no homozygotes.

Submissions (2):

Labcorp Genetics (formerly Invitae), Labcorp
Classification: Likely benign for Hypokalemic periodic paralysis, type 1; Malignant hyperthermia, susceptibility to, 5. Last evaluated: 2024-07-14. Review status: criteria provided, single submitter. Criteria: Invitae Variant Classification Sherloc (09022015). Collection method: clinical testing. Allele origin: germline.

All of Us Research Program, National Institutes of Health
Classification: Likely benign for Malignant hyperthermia, susceptibility to, 5. Last evaluated: 2023-12-13. Review status: criteria provided, single submitter. Criteria: ACMG Guidelines, 2015. Collection method: clinical testing. Allele origin: germline. Inheritance: Autosomal dominant inheritance. Observed: 1 variant allele, 1 heterozygote.
Comment: This study involves interpretation of variants in research participants for the purpose of population health screening. Participant phenotype was not available at the time of variant classification. Additional details can be found in publication PMID: 35346344, PMCID: PMC8962531

NM_000069.3(CACNA1S):c.3348C>T (p.Thr1116=)

Gene: CACNA1S (calcium voltage-gated channel subunit alpha1 S; minus strand). Cytogenetic location: 1q32.1.
Variant type: single nucleotide variant.
Coding change: c.3348C>T on transcript NM_000069.3 (MANE Select); coding-DNA position 3348, C replaced by T.
Protein change: p.Thr1116=; no amino-acid change (threonine 1116 retained).
Molecular consequence: synonymous variant.
Genome position (GRCh38, 1-based): chr1:201,060,724, G>A on the plus strand (C>T on the coding strand, the complement: CACNA1S is on the minus strand). VCF-style: chr1-201060724-G-A. GRCh37 (hg19) VCF-style: chr1-201029852-G-A.
Identifiers: ClinVar variation 1573315 (VCV001573315.9), dbSNP rs2102573526, ClinGen allele CA422720081.
Genomic context (GRCh38, chr1:201,060,724, plus strand): 5'-GCCGAGGCAGATGGTGTTGAGCATGATGAGGGCAAACATCAGGTATTCAAAGTAGGAGGA[G>A]GTGACAATGTACCACACCTGGTACTGGTATGGGTTTTTGGGAATGTAGCACCTCAGTGGG-3'
Protein context (NP_000060.2, residues 1106-1126): PYQYQVWYIV[Thr1116=]SSYFEYLMFA